The following is an entry in ClinVar:

NM_005360.5(MAF):c.82A>C (p.Met28Leu)

Gene: MAF (MAF bZIP transcription factor; minus strand). Cytogenetic location: 16q23.2.
Variant type: single nucleotide variant.
Coding change: c.82A>C on transcript NM_005360.5 (MANE Select); coding-DNA position 82, A replaced by C.
Protein change: p.Met28Leu; replaces methionine 28 with leucine.
Molecular consequence: missense variant.
Genome position (GRCh38, 1-based): chr16:79,599,821, T>G on the plus strand (A>C on the coding strand, the complement: MAF is on the minus strand). VCF-style: chr16-79599821-T-G. GRCh37 (hg19) VCF-style: chr16-79633718-T-G.
Other names: c.82A>C, p.Met28Leu (NM_001031804.3); short protein forms M28L.
Identifiers: ClinVar variation 3365576 (VCV003365576.1).

ClinVar aggregate classification (germline): Uncertain significance (1 of 4 stars; one submission).

Submission:

GeneDx
Classification: Uncertain significance. Last evaluated: 2023-12-18. Review status: criteria provided, single submitter. Criteria: GeneDx Variant Classification Process June 2021. Collection method: clinical testing. Allele origin: germline. Affected: yes.
Comment: Not observed at significant frequency in large population cohorts (gnomAD); In silico analysis supports that this missense variant does not alter protein structure/function; Has not been previously published as pathogenic or benign to our knowledge